The following is an entry in ClinVar:

ClinVar aggregate classification (germline): Uncertain significance (1 of 4 stars; one submission).

Conditions:
Supravalvar aortic stenosis (SVAS). Also called: Supravalvar aortic stenosis, Eisenberg type. Identifiers: Orphanet 3193, MedGen C0003499, MONDO:0008504, OMIM 185500, HP:0004381.

Submission:

Labcorp Genetics (formerly Invitae), Labcorp
Classification: Uncertain significance for Supravalvar aortic stenosis. Last evaluated: 2023-05-29. Review status: criteria provided, single submitter. Criteria: Invitae Variant Classification Sherloc (09022015). Collection method: clinical testing. Allele origin: germline.
Comment: Advanced modeling of protein sequence and biophysical properties (such as structural, functional, and spatial information, amino acid conservation, physicochemical variation, residue mobility, and thermodynamic stability) performed at Invitae indicates that this missense variant is not expected to disrupt ELN protein function. In summary, the available evidence is currently insufficient to determine the role of this variant in disease. Therefore, it has been classified as a Variant of Uncertain Significance. This variant has not been reported in the literature in individuals affected with ELN-related conditions. This variant is not present in population databases (gnomAD no frequency). This sequence change replaces glycine, which is neutral and non-polar, with aspartic acid, which is acidic and polar, at codon 513 of the ELN protein (p.Gly513Asp).

NM_000501.4(ELN):c.1451G>A (p.Gly484Asp)

Genes: ELN (elastin; plus strand), ELN-AS1 (ELN antisense RNA 1; minus strand). Cytogenetic location: 7q11.23.
Variant type: single nucleotide variant.
Coding change: c.1451G>A on transcript NM_000501.4 (MANE Select); coding-DNA position 1451, G replaced by A.
Protein change: p.Gly484Asp; replaces glycine 484 with aspartic acid.
Molecular consequence: missense variant. On other transcripts: non-coding transcript variant (1).
Genome position (GRCh38, 1-based): chr7:74,059,922, G>A. VCF-style: chr7-74059922-G-A. GRCh37 (hg19) VCF-style: chr7-73474252-G-A.
Other names: c.1364G>A, p.Gly455Asp (NM_001081752.3); c.1409G>A, p.Gly470Asp (NM_001081753.3); c.1466G>A, p.Gly489Asp (NM_001081754.3); c.1394G>A, p.Gly465Asp (NM_001081755.3); c.1451G>A, p.Gly484Asp (NM_001278912.2); c.1208G>A, p.Gly403Asp (NM_001278913.2); c.1379G>A, p.Gly460Asp (NM_001278914.2); c.1469G>A, p.Gly490Asp (NM_001278915.2); and 4 more; short protein forms G489D, G490D, G395D, G403D, G451D, G455D, G460D, G470D.
Identifiers: ClinVar variation 2747874 (VCV002747874.3), dbSNP rs2132288333, ClinGen allele CA367884798.